The following is an entry in ClinVar:

NM_003467.3(CXCR4):c.16-703G>A

Gene: CXCR4 (C-X-C motif chemokine receptor 4; minus strand). Cytogenetic location: 2q22.1.
Variant type: single nucleotide variant.
Coding change: c.16-703G>A on transcript NM_003467.3 (MANE Select); 703 bases into the intron before coding-DNA position 16, G replaced by A.
Molecular consequence: intron variant. On other transcripts: missense variant (2).
Genome position (GRCh38, 1-based): chr2:136,116,615, C>T on the plus strand (G>A on the coding strand, the complement: CXCR4 is on the minus strand). VCF-style: chr2-136116615-C-T. GRCh37 (hg19) VCF-style: chr2-136874185-C-T.
Other names: c.89G>A, p.Arg30Gln (NM_001348056.2, NM_001348059.2); c.-30-703G>A (NM_001348060.2); short protein forms R30Q.
Identifiers: ClinVar variation 3349206 (VCV003349206.1).
Genomic context (GRCh38, chr2:136,116,615, plus strand): 5'-TTGGGCGGGAGTGTCAGAAAATGAACAAACGGCACCTCCTCCCCCAAGCGGGCGCTCCTC[C>T]GGTGTGTGGGTCTCTTGCCATCCTCGTGTTTATCACTTGGCGCGTTTGGGACGTTAGGGA-3'

ClinVar aggregate classification (germline): Uncertain significance (0 of 4 stars; one submission).

Conditions:
CXCR4-related disorder. Also called: CXCR4-related condition.

Submission:

PreventionGenetics, part of Exact Sciences
Classification: Uncertain significance for CXCR4-related condition. Last evaluated: 2024-06-20. Review status: no assertion criteria provided. Collection method: clinical testing. Allele origin: germline.
Comment: The CXCR4 c.89G>A variant is predicted to result in the amino acid substitution p.Arg30Gln. To our knowledge, this variant has not been reported in individual with CXCR4-related diseases or in a large population database, indicating this variant is rare. At this time, the clinical significance of this variant is uncertain due to the absence of conclusive functional and genetic evidence.